The following is an entry in ClinVar:

NM_020949.3(SLC7A14):c.682A>G (p.Ile228Val)

Genes: SLC7A14 (solute carrier family 7 member 14; minus strand), SLC7A14-AS1 (SLC7A14 antisense RNA 1; plus strand). Cytogenetic location: 3q26.2.
Variant type: single nucleotide variant.
Coding change: c.682A>G on transcript NM_020949.3 (MANE Select); coding-DNA position 682, A replaced by G.
Protein change: p.Ile228Val; replaces isoleucine 228 with valine.
Molecular consequence: missense variant.
Genome position (GRCh38, 1-based): chr3:170,498,744, T>C on the plus strand (A>G on the coding strand, the complement: SLC7A14 is on the minus strand). VCF-style: chr3-170498744-T-C. GRCh37 (hg19) VCF-style: chr3-170216533-T-C.
Other names: short protein forms I228V.
Identifiers: ClinVar variation 1975165 (VCV001975165.5), dbSNP rs375042563, ClinGen allele CA2701861.
Genomic context (GRCh38, chr3:170,498,744, plus strand): 5'-GCAAGAACTGGCCCTCCGCCCAGTATTTCCCATTGATGAAGAAGAGGCCTGCGATCATGA[T>C]GAACACCCATACTGCCAGGTTCAGCACATTGAGAACATTGTTGAAGCCTATGGAATTCTT-3'
Protein context (NP_066000.2, residues 218-238): NVLNLAVWVF[Ile228Val]MIAGLFFING

ClinVar aggregate classification (germline): Uncertain significance (1 of 4 stars; one submission).

Allele frequency attached by ClinVar (database versions not stated): ExAC 0.00001; ESP Exome Variant Server 0.00008.

Submission:

Labcorp Genetics (formerly Invitae), Labcorp
Classification: Uncertain significance. Last evaluated: 2023-04-06. Review status: criteria provided, single submitter. Criteria: Invitae Variant Classification Sherloc (09022015). Collection method: clinical testing. Allele origin: germline.
Comment: This sequence change replaces isoleucine, which is neutral and non-polar, with valine, which is neutral and non-polar, at codon 228 of the SLC7A14 protein (p.Ile228Val). This variant is present in population databases (rs375042563, gnomAD 0.0009%). This variant has not been reported in the literature in individuals affected with SLC7A14-related conditions. ClinVar contains an entry for this variant (Variation ID: 1975165). An algorithm developed to predict the effect of missense changes on protein structure and function (PolyPhen-2) suggests that this variant is likely to be tolerated. In summary, the available evidence is currently insufficient to determine the role of this variant in disease. Therefore, it has been classified as a Variant of Uncertain Significance.